The following is an entry in ClinVar:

NM_000384.3(APOB):c.2869A>C (p.Ile957Leu)

Gene: APOB (apolipoprotein B; minus strand). Cytogenetic location: 2p24.1.
Variant type: single nucleotide variant.
Coding change: c.2869A>C on transcript NM_000384.3 (MANE Select); coding-DNA position 2869, A replaced by C.
Protein change: p.Ile957Leu; replaces isoleucine 957 with leucine.
Molecular consequence: missense variant.
Genome position (GRCh38, 1-based): chr2:21,019,853, T>G on the plus strand (A>C on the coding strand, the complement: APOB is on the minus strand). VCF-style: chr2-21019853-T-G. GRCh37 (hg19) VCF-style: chr2-21242725-T-G.
Other names: short protein forms I957L.
Identifiers: ClinVar variation 4124916 (VCV004124916.1).

ClinVar aggregate classification (germline): Uncertain significance (1 of 4 stars; one submission).

Conditions:
Cardiovascular phenotype. Identifiers: MedGen CN230736.

Submission:

Ambry Genetics
Classification: Uncertain significance for Cardiovascular phenotype. Last evaluated: 2025-06-23. Review status: criteria provided, single submitter. Criteria: Ambry Variant Classification Scheme 2023. Collection method: clinical testing. Allele origin: germline.
Comment: The p.I957L variant (also known as c.2869A>C), located in coding exon 19 of the APOB gene, results from an A to C substitution at nucleotide position 2869. The isoleucine at codon 957 is replaced by leucine, an amino acid with highly similar properties. This amino acid position is conserved. In addition, this alteration is predicted to be tolerated by in silico analysis. Based on the available evidence, the clinical significance of this variant remains unclear.